The following is an entry in ClinVar:

NM_001384732.1(CPLANE1):c.7222C>G (p.Pro2408Ala)

Gene: CPLANE1 (ciliogenesis and planar polarity effector complex subunit 1; minus strand). Cytogenetic location: 5p13.2.
Variant type: single nucleotide variant.
Coding change: c.7222C>G on transcript NM_001384732.1 (MANE Select); coding-DNA position 7222, C replaced by G.
Protein change: p.Pro2408Ala; replaces proline 2408 with alanine.
Molecular consequence: missense variant.
Genome position (GRCh38, 1-based): chr5:37,168,802, G>C on the plus strand (C>G on the coding strand, the complement: CPLANE1 is on the minus strand). VCF-style: chr5-37168802-G-C. GRCh37 (hg19) VCF-style: chr5-37168904-G-C.
Other names: c.7222C>G, p.Pro2408Ala (NM_023073.4); c.7222C>G (NM_023073.3); short protein forms P2408A.
Identifiers: ClinVar variation 1419947 (VCV001419947.5), dbSNP rs769392264, ClinGen allele CA3238124.

ClinVar aggregate classification (germline): Uncertain significance. Review status: criteria provided, multiple submitters, no conflicts (2 of 4 stars). 2 submissions from 2 submitters: Uncertain significance (2). Last evaluated 2024-04-23.

Conditions:
Orofaciodigital syndrome type 6 (OFD6). Also called: Oral-facial-digital syndrome type 6; Central polydactyly cleft lip/palate or lingual lump and psychomotor retardation; Y-shaped central metacarpal and cerebellar defect; Joubert syndrome with orofacialdigital anomalies; VARADI SYNDROME; VARADI-PAPP SYNDROME. Identifiers: Orphanet 2754, MedGen C2745997, MONDO:0010176, OMIM 277170.
Joubert syndrome 17 (JBTS17). Identifiers: Orphanet 475, MedGen C3553264, MONDO:0013824, OMIM 614615.

Allele frequency attached by ClinVar (database versions not stated): gnomAD exomes below 0.00001; ExAC 0.00001.
gnomAD v4.1: 3 of 1,610,902 alleles (0.00019%); highest among the groups gnomAD compares: Non-Finnish European, 0.00017%; no homozygotes.

Submissions (2):

Fulgent Genetics
Classification: Uncertain significance for Orofaciodigital syndrome type 6; Joubert syndrome 17. Last evaluated: 2024-04-23. Review status: criteria provided, single submitter. Criteria: ACMG Guidelines, 2015. Collection method: clinical testing. Allele origin: germline.

Labcorp Genetics (formerly Invitae), Labcorp
Classification: Uncertain significance. Last evaluated: 2022-07-14. Review status: criteria provided, single submitter. Criteria: Invitae Variant Classification Sherloc (09022015). Collection method: clinical testing. Allele origin: germline.
Comment: This variant has not been reported in the literature in individuals affected with CPLANE1-related conditions. This variant is present in population databases (rs769392264, gnomAD 0.0009%). This sequence change replaces proline, which is neutral and non-polar, with alanine, which is neutral and non-polar, at codon 2408 of the CPLANE1 protein (p.Pro2408Ala). In summary, the available evidence is currently insufficient to determine the role of this variant in disease. Therefore, it has been classified as a Variant of Uncertain Significance. Advanced modeling of protein sequence and biophysical properties (such as structural, functional, and spatial information, amino acid conservation, physicochemical variation, residue mobility, and thermodynamic stability) performed at Invitae indicates that this missense variant is not expected to disrupt CPLANE1 protein function. ClinVar contains an entry for this variant (Variation ID: 1419947).